The following is an entry in ClinVar:

NM_030665.4(RAI1):c.1102G>C (p.Glu368Gln)

Gene: RAI1 (retinoic acid induced 1; plus strand). Cytogenetic location: 17p11.2.
Variant type: single nucleotide variant.
Coding change: c.1102G>C on transcript NM_030665.4 (MANE Select); coding-DNA position 1102, G replaced by C.
Protein change: p.Glu368Gln; replaces glutamic acid 368 with glutamine.
Molecular consequence: missense variant.
Genome position (GRCh38, 1-based): chr17:17,794,050, G>C. VCF-style: chr17-17794050-G-C. GRCh37 (hg19) VCF-style: chr17-17697364-G-C.
Other names: short protein forms E368Q.
Identifiers: ClinVar variation 3614784 (VCV003614784.2).

ClinVar aggregate classification (germline): Uncertain significance (1 of 4 stars; one submission).

gnomAD v4.1: 1 of 1,613,912 alleles (0.000062%); highest among the groups gnomAD compares: Non-Finnish European, 0.000085%; no homozygotes.

Submission:

Labcorp Genetics (formerly Invitae), Labcorp
Classification: Uncertain significance. Last evaluated: 2024-04-03. Review status: criteria provided, single submitter. Criteria: Invitae Variant Classification Sherloc (09022015). Collection method: clinical testing. Allele origin: germline.
Comment: This sequence change replaces glutamic acid, which is acidic and polar, with glutamine, which is neutral and polar, at codon 368 of the RAI1 protein (p.Glu368Gln). This variant is present in population databases (no rsID available, gnomAD 0.0009%). This variant has not been reported in the literature in individuals affected with RAI1-related conditions. Advanced modeling of protein sequence and biophysical properties (such as structural, functional, and spatial information, amino acid conservation, physicochemical variation, residue mobility, and thermodynamic stability) performed at Invitae indicates that this missense variant is expected to disrupt RAI1 protein function with a positive predictive value of 80%. In summary, the available evidence is currently insufficient to determine the role of this variant in disease. Therefore, it has been classified as a Variant of Uncertain Significance.